The following is an entry in ClinVar:

ClinVar aggregate classification (germline): Uncertain significance (1 of 4 stars; one submission).

Conditions:
Hypertrophic cardiomyopathy. Also called: HYPERTROPHIC MYOCARDIOPATHY. Identifiers: Orphanet 217569, MedGen C0007194, MeSH D002312, MONDO:0005045, HP:0001639.

Submission:

All of Us Research Program, National Institutes of Health
Classification: Uncertain significance for Hypertrophic cardiomyopathy. Last evaluated: 2023-05-16. Review status: criteria provided, single submitter. Criteria: ACMG Guidelines, 2015. Collection method: clinical testing. Allele origin: germline. Inheritance: Autosomal dominant inheritance. Observed: 1 variant allele, 1 heterozygote.
Comment: This synonymous variant causes a nucleotide substitution but does not change the encoded amino acid at codon 1139 of the MYBPC3 protein. Splice site prediction tools are inconclusive regarding the impact of this variant on RNA splicing. To our knowledge, functional studies have not been reported for this variant. This variant has not been reported in individuals affected with MYBPC3-related disorders in the literature. This variant has not been identified in the general population by the Genome Aggregation Database (gnomAD). The available evidence is insufficient to determine the role of this variant in disease conclusively. Therefore, this variant is classified as a Variant of Uncertain Significance.

This study involves interpretation of variants in research participants for the purpose of population health screening. Participant phenotype was not available at the time of variant classification. Additional details can be found in publication PMID: 35346344, PMCID: PMC8962531

NM_000256.3(MYBPC3):c.3417C>T (p.Val1139=)

Gene: MYBPC3 (myosin binding protein C3; minus strand). Cytogenetic location: 11p11.2.
Variant type: single nucleotide variant.
Coding change: c.3417C>T on transcript NM_000256.3 (MANE Select); coding-DNA position 3417, C replaced by T.
Protein change: p.Val1139=; no amino-acid change (valine 1139 retained).
Molecular consequence: synonymous variant.
Genome position (GRCh38, 1-based): chr11:47,332,887, G>A on the plus strand (C>T on the coding strand, the complement: MYBPC3 is on the minus strand). VCF-style: chr11-47332887-G-A. GRCh37 (hg19) VCF-style: chr11-47354438-G-A.
Identifiers: ClinVar variation 3071094 (VCV003071094.1), dbSNP rs1460458866, ClinGen allele CA474429040.